The following is an entry in ClinVar:

NM_002691.4(POLD1):c.1058T>C (p.Leu353Pro)

Gene: POLD1 (DNA polymerase delta 1, catalytic subunit; plus strand). Cytogenetic location: 19q13.33.
Variant type: single nucleotide variant.
Coding change: c.1058T>C on transcript NM_002691.4 (MANE Select); coding-DNA position 1058, T replaced by C.
Protein change: p.Leu353Pro; replaces leucine 353 with proline.
Molecular consequence: missense variant. On other transcripts: non-coding transcript variant (1).
Genome position (GRCh38, 1-based): chr19:50,403,140, T>C. VCF-style: chr19-50403140-T-C. GRCh37 (hg19) VCF-style: chr19-50906397-T-C.
Other names: c.1058T>C, p.Leu353Pro (NM_001256849.1, NM_001308632.1, NM_001438210.1 and 3 more transcripts); short protein forms L353P.
Identifiers: ClinVar variation 4862162 (VCV004862162.1).

ClinVar aggregate classification (germline): Uncertain significance (1 of 4 stars; one submission).

Conditions:
Hereditary cancer-predisposing syndrome. Also called: Neoplastic Syndromes, Hereditary; Tumor predisposition; Hereditary Cancer Syndrome; Hereditary neoplastic syndrome. Identifiers: Orphanet 140162, MedGen C0027672, MeSH D009386, MONDO:0015356.

Submission:

Ambry Genetics
Classification: Uncertain significance for Hereditary cancer-predisposing syndrome. Last evaluated: 2026-03-16. Review status: criteria provided, single submitter. Criteria: Ambry Variant Classification Scheme 2023. Collection method: clinical testing. Allele origin: germline.
Comment: The p.L353P variant (also known as c.1058T>C), located in coding exon 8 of the POLD1 gene, results from a T to C substitution at nucleotide position 1058. The leucine at codon 353 is replaced by proline, an amino acid with similar properties. This amino acid position is not well conserved in available vertebrate species. In addition, this alteration is predicted to be tolerated by in silico analysis. Based on the available evidence, the clinical significance of this variant remains unclear.